The following is an entry in ClinVar:

ClinVar aggregate classification (germline): Likely benign. Review status: criteria provided, multiple submitters, no conflicts (2 of 4 stars). 3 submissions from 3 submitters: Likely benign (2). 1 of the submissions does not count toward it. Last evaluated 2025-08-14.

Conditions:
KATNIP-related disorder. Also called: KATNIP-related condition.

Allele frequency attached by ClinVar (database versions not stated): gnomAD exomes 0.00005; ExAC 0.00007; 1000 Genomes Project 30x 0.00016; 1000 Genomes Project 0.00020; gnomAD 0.00023; ESP Exome Variant Server 0.00031; TOPMed 0.00034.
gnomAD v4.1: 109 of 1,614,158 alleles (0.0068%); highest among the groups gnomAD compares: African/African-American, 0.089%; no homozygotes.

Submissions (3):

Labcorp Genetics (formerly Invitae), Labcorp
Classification: Likely benign. Last evaluated: 2025-08-14. Review status: criteria provided, single submitter. Criteria: Invitae Variant Classification Sherloc (09022015). Collection method: clinical testing. Allele origin: germline.

Blueprint Genetics
Classification: Likely benign. Last evaluated: 2024-10-10. Review status: criteria provided, single submitter. Criteria: ACMG Guidelines, 2015. Collection method: clinical testing. Allele origin: germline.

PreventionGenetics, part of Exact Sciences
Classification: Likely benign for KATNIP-related condition. Last evaluated: 2019-05-20. Review status: no assertion criteria provided. Collection method: clinical testing. Allele origin: germline. Not counted in ClinVar's aggregate classification.
Comment: This variant is classified as likely benign based on ACMG/AMP sequence variant interpretation guidelines (Richards et al. 2015 PMID: 25741868, with internal and published modifications).

NM_015202.5(KATNIP):c.252G>A (p.Pro84=)

Gene: KATNIP (katanin interacting protein; plus strand). Cytogenetic location: 16p12.1.
Variant type: single nucleotide variant.
Coding change: c.252G>A on transcript NM_015202.5 (MANE Select); coding-DNA position 252, G replaced by A.
Protein change: p.Pro84=; no amino-acid change (proline 84 retained).
Molecular consequence: synonymous variant.
Genome position (GRCh38, 1-based): chr16:27,628,772, G>A. VCF-style: chr16-27628772-G-A. GRCh37 (hg19) VCF-style: chr16-27640093-G-A.
Other names: c.252G>A (NM_015202.3).
Identifiers: ClinVar variation 2913310 (VCV002913310.6), dbSNP rs140289087, ClinGen allele CA7977261.